The following is an entry in ClinVar:

ClinVar aggregate classification (germline): Uncertain significance (1 of 4 stars; one submission).

Submission:

GeneDx
Classification: Uncertain significance. Last evaluated: 2026-02-27. Review status: criteria provided, single submitter. Criteria: GeneDx Variant Classification Process June 2021. Collection method: clinical testing. Allele origin: germline.
Comment: Not observed at significant frequency in large population cohorts (gnomAD); In silico analysis supports that this missense variant has a deleterious effect on protein structure/function; Has not been previously published as pathogenic or benign to our knowledge

NM_170606.3(KMT2C):c.7427G>C (p.Arg2476Thr)

Gene: KMT2C (lysine methyltransferase 2C; minus strand). Cytogenetic location: 7q36.1.
Variant type: single nucleotide variant.
Coding change: c.7427G>C on transcript NM_170606.3 (MANE Select); coding-DNA position 7427, G replaced by C.
Protein change: p.Arg2476Thr; replaces arginine 2476 with threonine.
Molecular consequence: missense variant.
Genome position (GRCh38, 1-based): chr7:152,179,849, C>G on the plus strand (G>C on the coding strand, the complement: KMT2C is on the minus strand). VCF-style: chr7-152179849-C-G. GRCh37 (hg19) VCF-style: chr7-151876934-C-G.
Other names: short protein forms R2476T.
Identifiers: ClinVar variation 5008170 (VCV005008170.1).